The following is an entry in ClinVar:

ClinVar aggregate classification (germline): Uncertain significance (1 of 4 stars; one submission).

Submission:

Labcorp Genetics (formerly Invitae), Labcorp
Classification: Uncertain significance. Last evaluated: 2022-03-29. Review status: criteria provided, single submitter. Criteria: Invitae Variant Classification Sherloc (09022015). Collection method: clinical testing. Allele origin: germline.
Comment: This variant results in a copy number gain of the genomic region encompassing exon(s) 19-43 of the DMXL2 gene. This region includes the termination codon of the gene. This copy number gain extends beyond the assayed region for this gene and therefore may encompass additional genes. As the precise location of this event is unknown, it may be in tandem or it may be located elsewhere in the genome. This variant has not been reported in the literature in individuals affected with DMXL2-related conditions. In summary, the available evidence is currently insufficient to determine the role of this variant in disease. Therefore, it has been classified as a Variant of Uncertain Significance.

NC_000015.9:g.(?_51741181)_(51787351_?)dup

Gene: DMXL2 (Dmx like 2; minus strand). Cytogenetic location: 15q21.2.
Variant type: Duplication.
Identifiers: ClinVar variation 2423935 (VCV002423935.4).